The following is an entry in ClinVar:

NM_000718.4(CACNA1B):c.973G>C (p.Asp325His)

Gene: CACNA1B (calcium voltage-gated channel subunit alpha1 B; plus strand). Cytogenetic location: 9q34.3.
Variant type: single nucleotide variant.
Coding change: c.973G>C on transcript NM_000718.4 (MANE Select); coding-DNA position 973, G replaced by C.
Protein change: p.Asp325His; replaces aspartic acid 325 with histidine.
Molecular consequence: missense variant.
Genome position (GRCh38, 1-based): chr9:137,952,280, G>C. VCF-style: chr9-137952280-G-C. GRCh37 (hg19) VCF-style: chr9-140846732-G-C.
Other names: c.973G>C, p.Asp325His (NM_001243812.2); short protein forms D325H.
Identifiers: ClinVar variation 3343660 (VCV003343660.1).

ClinVar aggregate classification (germline): Uncertain significance (1 of 4 stars; one submission).

Submission:

GeneDx
Classification: Uncertain significance. Last evaluated: 2023-05-19. Review status: criteria provided, single submitter. Criteria: GeneDx Variant Classification Process June 2021. Collection method: clinical testing. Allele origin: germline. Affected: yes.
Comment: Not observed at significant frequency in large population cohorts (gnomAD); In silico analysis supports that this missense variant has a deleterious effect on protein structure/function; Has not been previously published as pathogenic or benign to our knowledge; Variants in candidate genes are classified as variants of uncertain significance in accordance with ACMG guidelines (Richards et al., 2015)